The following is an entry in ClinVar:

ClinVar aggregate classification (germline): Uncertain significance (1 of 4 stars; one submission).

Allele frequency attached by ClinVar (database versions not stated): TOPMed 0.00001; gnomAD exomes below 0.00001 and 0.00001; gnomAD 0.00001.
gnomAD v4.1: 3 of 1,613,872 alleles (0.00019%); highest among the groups gnomAD compares: Admixed American, 0.0033%; no homozygotes.

Submission:

Labcorp Genetics (formerly Invitae), Labcorp
Classification: Uncertain significance. Last evaluated: 2026-01-12. Review status: criteria provided, single submitter. Criteria: Invitae Variant Classification Sherloc (09022015). Collection method: clinical testing. Allele origin: germline.
Comment: This sequence change replaces leucine, which is neutral and non-polar, with phenylalanine, which is neutral and non-polar, at codon 286 of the RORB protein (p.Leu286Phe). This variant is present in population databases (no rsID available, gnomAD 0.003%). This variant has not been reported in the literature in individuals affected with RORB-related conditions. ClinVar contains an entry for this variant (Variation ID: 1399434). An algorithm developed to predict the effect of missense changes on protein structure and function (PolyPhen-2) suggests that this variant is likely to be disruptive. In summary, the available evidence is currently insufficient to determine the role of this variant in disease. Therefore, it has been classified as a Variant of Uncertain Significance.

NM_006914.4(RORB):c.856C>T (p.Leu286Phe)

Gene: RORB (RAR related orphan receptor B; plus strand). Cytogenetic location: 9q21.13.
Variant type: single nucleotide variant.
Coding change: c.856C>T on transcript NM_006914.4 (MANE Select); coding-DNA position 856, C replaced by T.
Protein change: p.Leu286Phe; replaces leucine 286 with phenylalanine.
Molecular consequence: missense variant.
Genome position (GRCh38, 1-based): chr9:74,662,570, C>T. VCF-style: chr9-74662570-C-T. GRCh37 (hg19) VCF-style: chr9-77277486-C-T.
Other names: c.889C>T, p.Leu297Phe (NM_001365023.1); short protein forms L286F, L297F.
Identifiers: ClinVar variation 1399434 (VCV001399434.6), dbSNP rs1160695348, ClinGen allele CA373770868.